The following is an entry in ClinVar:

ClinVar aggregate classification (germline): Uncertain significance (1 of 4 stars; one submission).

Submission:

Labcorp Genetics (formerly Invitae), Labcorp
Classification: Uncertain significance. Last evaluated: 2024-06-26. Review status: criteria provided, single submitter. Criteria: Invitae Variant Classification Sherloc (09022015). Collection method: clinical testing. Allele origin: germline.
Comment: This sequence change affects codon 367 of the NAA35 mRNA. It is a 'silent' change, meaning that it does not change the encoded amino acid sequence of the NAA35 protein. This variant is not present in population databases (gnomAD no frequency). This variant has not been reported in the literature in individuals affected with NAA35-related conditions. Algorithms developed to predict the effect of sequence changes on RNA splicing suggest that this variant may disrupt the consensus splice site. In summary, the available evidence is currently insufficient to determine the role of this variant in disease. Therefore, it has been classified as a Variant of Uncertain Significance.

NM_024635.4(NAA35):c.1101A>C (p.Ser367=)

Gene: NAA35 (N-alpha-acetyltransferase 35, NatC auxiliary subunit; plus strand). Cytogenetic location: 9q21.33.
Variant type: single nucleotide variant.
Coding change: c.1101A>C on transcript NM_024635.4 (MANE Select); coding-DNA position 1101, A replaced by C.
Protein change: p.Ser367=; no amino-acid change (serine 367 retained).
Molecular consequence: synonymous variant.
Genome position (GRCh38, 1-based): chr9:86,003,629, A>C. VCF-style: chr9-86003629-A-C. GRCh37 (hg19) VCF-style: chr9-88618544-A-C.
Other names: c.1101A>C, p.Ser367= (NM_001321881.2, NM_001321882.2).
Identifiers: ClinVar variation 3669636 (VCV003669636.2).